The following is an entry in ClinVar:

NM_002878.4(RAD51D):c.896_*505del597 (p.Ser299_Ter329delinsXaa)

Genes: RAD51D (RAD51 paralog D; minus strand), RAD51L3-RFFL (RAD51L3-RFFL readthrough; minus strand). Cytogenetic location: 17q12.
Variant type: Deletion.
Coding change: c.896_*505del597 on transcript NM_002878.4 (MANE Select); coding-DNA position 896 through 505 bases downstream of the stop codon, 761 bases deleted.
Protein change: p.Ser299_Ter329delinsXaa.
Molecular consequence: stop lost, splice acceptor variant, splice donor variant. On other transcripts: non-coding transcript variant (2).
Genome position (GRCh38, 1-based): chr17:35,100,448-35,101,208, 761 bases deleted. GRCh37 (hg19): chr17:33,427,467-33,428,227.
Other names: c.956_*505del597, p.Ser319_Ter349delinsXaa (NM_001142571.2); c.560_*505del597, p.Ser187_Ter217delinsXaa (NM_133629.3).
Identifiers: ClinVar variation 1516502 (VCV001516502.6), ClinGen allele CA2573153474.

ClinVar aggregate classification (germline): Likely pathogenic (1 of 4 stars; one submission).

Conditions:
Breast-ovarian cancer, familial, susceptibility to, 4. Identifiers: Orphanet 145, MedGen C3280345, MONDO:0013669, OMIM 614291.

Submission:

Labcorp Genetics (formerly Invitae), Labcorp
Classification: Likely pathogenic for Breast-ovarian cancer, familial, susceptibility to, 4. Last evaluated: 2021-06-14. Review status: criteria provided, single submitter. Criteria: Invitae Variant Classification Sherloc (09022015). Collection method: clinical testing. Allele origin: germline.
Comment: This variant is a gross deletion of the genomic region encompassing the last 8 nucleotides of exon 9 and exon 10 of the RAD51D gene (c.896_*505del). While this deletion is not anticipated to result in nonsense mediated decay, it is expected to create a truncated protein product or disrupt mRNA translation. While this particular deletion has not been reported in the literature, a gross deletion of exon 10 has been observed in an individual affected with breast cancer (PMID: 26681312). This partial deletion is expected to delete amino acid residues Ser299-Thr328 of the RAD51D protein, thereby removing the C-terminus of the ATPase domain (PMID: 14704354, 19327148, 21111057). Although functional studies have not been done for this particular deletion, experimental studies using yeast two-hybrid analysis have shown that the region of the RAD51D protein necessary for RAD51C complexing localizes to the last ~100 amino acids (PMID: 10749867, 14704354, 19327148). The data indicates that this deletion likely disrupts this important RAD51D-RAD51C interaction. In summary, the currently available evidence indicates that the variant is pathogenic, but additional data are needed to prove that conclusively. Therefore, this variant has been classified as Likely Pathogenic.

Literature cited by the submitters: PubMed 26681312; PubMed 14704354; PubMed 19327148; PubMed 21111057; PubMed 10749867.